The following is an entry in ClinVar:

ClinVar aggregate classification (germline): Uncertain significance (1 of 4 stars; one submission).

Submission:

Labcorp Genetics (formerly Invitae), Labcorp
Classification: Uncertain significance. Last evaluated: 2025-03-20. Review status: criteria provided, single submitter. Criteria: Invitae Variant Classification Sherloc (09022015). Collection method: clinical testing. Allele origin: germline.
Comment: This sequence change replaces valine, which is neutral and non-polar, with isoleucine, which is neutral and non-polar, at codon 855 of the ZSWIM6 protein (p.Val855Ile). This variant is not present in population databases (gnomAD no frequency). This variant has not been reported in the literature in individuals affected with ZSWIM6-related conditions. ClinVar contains an entry for this variant (Variation ID: 1353297). Invitae Evidence Modeling of protein sequence and biophysical properties (such as structural, functional, and spatial information, amino acid conservation, physicochemical variation, residue mobility, and thermodynamic stability) indicates that this missense variant is not expected to disrupt ZSWIM6 protein function with a negative predictive value of 80%. In summary, the available evidence is currently insufficient to determine the role of this variant in disease. Therefore, it has been classified as a Variant of Uncertain Significance.

NM_020928.2(ZSWIM6):c.2563G>A (p.Val855Ile)

Gene: ZSWIM6 (zinc finger SWIM-type containing 6; plus strand). Cytogenetic location: 5q12.1.
Variant type: single nucleotide variant.
Coding change: c.2563G>A on transcript NM_020928.2 (MANE Select); coding-DNA position 2563, G replaced by A.
Protein change: p.Val855Ile; replaces valine 855 with isoleucine.
Molecular consequence: missense variant.
Genome position (GRCh38, 1-based): chr5:61,539,619, G>A. VCF-style: chr5-61539619-G-A. GRCh37 (hg19) VCF-style: chr5-60835446-G-A.
Other names: short protein forms V855I.
Identifiers: ClinVar variation 1353297 (VCV001353297.8), dbSNP rs1749676644, ClinGen allele CA359945631.
Genomic context (GRCh38, chr5:61,539,619, plus strand): 5'-GATTTGGTTTGGTTTGGTTTTCCCTTGTTCATTGCAGGCGATGTTCGGAGGCTGGAAACA[G>A]TATTAGAATCCATCCAGAAAAACATTCACTCCTCATCACACATCTTCAAGCTTGCCCAAG-3'
Protein context (NP_065979.1, residues 845-865): AKGDVRRLET[Val855Ile]LESIQKNIHS